The following is an entry in ClinVar:

NM_000059.4(BRCA2):c.7540_7549del (p.Lys2514fs)

Gene: BRCA2 (BRCA2 DNA repair associated; plus strand). Cytogenetic location: 13q13.1.
Variant type: Deletion.
Coding change: c.7540_7549del on transcript NM_000059.4 (MANE Select); coding-DNA positions 7540 to 7549, 10 bases deleted (AAAACATCCA; older notation c.7540_7549delAAAACATCCA).
Protein change: p.Lys2514fs; shifts the reading frame from lysine 2514.
Molecular consequence: frameshift variant.
Genome position (GRCh38, 1-based): chr13:32,356,532-32,356,541, AAAACATCCA deleted; deleting any 10 consecutive bases within chr13:32,356,530-32,356,541 gives the same sequence; the c. name uses the placement nearest the transcript's 3' end. VCF-style (leftmost placement, unchanged base first): chr13-32356529-GCAAAAACATC-G. GRCh37 (hg19) VCF-style: chr13-32930666-GCAAAAACATC-G.
Other names: c.7540_7549del10 (NM_000059.3); c.7540_7549del (NM_000059.3); short protein forms K2514fs.
Identifiers: ClinVar variation 827108 (VCV000827108.5), dbSNP rs1593919707, ClinGen allele CA915946870.

ClinVar aggregate classification (germline): Pathogenic. Review status: criteria provided, multiple submitters, no conflicts (2 of 4 stars). 2 submissions from 2 submitters: Pathogenic (2). Last evaluated 2023-05-30.

Conditions:
Hereditary cancer-predisposing syndrome. Also called: Neoplastic Syndromes, Hereditary; Tumor predisposition; Hereditary neoplastic syndrome; Hereditary Cancer Syndrome. Identifiers: Orphanet 140162, MedGen C0027672, MeSH D009386, MONDO:0015356.

Submissions (2):

Quest Diagnostics Nichols Institute San Juan Capistrano
Classification: Pathogenic. Last evaluated: 2023-05-30. Review status: criteria provided, single submitter. Criteria: Quest Diagnostics criteria. Collection method: clinical testing. Allele origin: unknown.
Comment: The BRCA2 c.7540_7549del (p.Lys2514Leufs*7) variant alters the translational reading frame of the BRCA2 mRNA and causes the premature termination of BRCA2 protein synthesis. This variant has not been reported in individuals with BRCA2-related conditions in the published literature. This variant has not been reported in large, multi-ethnic general populations (Genome Aggregation Database). Based on the available information, this variant is classified as pathogenic.

Ambry Genetics
Classification: Pathogenic for Hereditary cancer-predisposing syndrome. Last evaluated: 2019-03-18. Review status: criteria provided, single submitter. Criteria: Ambry Variant Classification Scheme 2023. Collection method: clinical testing. Allele origin: germline.
Comment: The c.7540_7549del10 pathogenic mutation, located in coding exon 14 of the BRCA2 gene, results from a deletion of 10 nucleotides at nucleotide positions 7540 to 7549, causing a translational frameshift with a predicted alternate stop codon (p.K2514Lfs*7). This alteration is expected to result in loss of function by premature protein truncation or nonsense-mediated mRNA decay. As such, this alteration is interpreted as a disease-causing mutation.